The following is an entry in ClinVar:

NM_005529.7(HSPG2):c.6114C>G (p.Ile2038Met)

Gene: HSPG2 (heparan sulfate proteoglycan 2; minus strand). Cytogenetic location: 1p36.12.
Variant type: single nucleotide variant.
Coding change: c.6114C>G on transcript NM_005529.7 (MANE Select); coding-DNA position 6114, C replaced by G.
Protein change: p.Ile2038Met; replaces isoleucine 2038 with methionine.
Molecular consequence: missense variant.
Genome position (GRCh38, 1-based): chr1:21,854,867, G>C on the plus strand (C>G on the coding strand, the complement: HSPG2 is on the minus strand). VCF-style: chr1-21854867-G-C. GRCh37 (hg19) VCF-style: chr1-22181360-G-C.
Other names: c.6117C>G, p.Ile2039Met (NM_001291860.2); short protein forms I2038M, I2039M.
Identifiers: ClinVar variation 295815 (VCV000295815.36), dbSNP rs116788687, ClinGen allele CA671675.

ClinVar aggregate classification (germline): Benign/Likely benign. Review status: criteria provided, multiple submitters, no conflicts (2 of 4 stars). 11 submissions from 10 submitters: Benign (8); Likely benign (1). 2 of the submissions do not count toward it. Last evaluated 2026-02-01.

Conditions:
Schwartz-Jampel syndrome. Also called: Myotonic myopathy dwarfism chondrodystrophy and ocular and facial abnormalities. Identifiers: Orphanet 800, MedGen C0036391, MONDO:0009717.
Connective tissue disorder. Also called: Connective tissue disease. Identifiers: MedGen C0009782, MONDO:0003900.
Lethal Kniest-like syndrome (DDSH). Also called: Dyssegmental Dysplasia. Identifiers: Orphanet 1865, MedGen C1857100, MONDO:0009140, OMIM 224410.

Allele frequency attached by ClinVar (database versions not stated): 1000 Genomes Project 0.00839; 1000 Genomes Project 30x 0.00843; TOPMed 0.01380; ESP Exome Variant Server 0.01638; ExAC 0.01760; gnomAD 0.01837 and 0.01908; gnomAD exomes 0.01856 and 0.02049.
gnomAD v4.1: 32,696 of 1,614,066 alleles (2%); highest among the groups gnomAD compares: Non-Finnish European, 2.2%; 453 homozygotes.

Submissions (11):

Labcorp Genetics (formerly Invitae), Labcorp
Classification: Benign. Last evaluated: 2026-02-01. Review status: criteria provided, single submitter. Criteria: Invitae Variant Classification Sherloc (09022015). Collection method: clinical testing. Allele origin: germline.

ARUP Laboratories, Molecular Genetics and Genomics, ARUP Laboratories
Classification: Benign. Last evaluated: 2025-03-17. Review status: criteria provided, single submitter. Criteria: ARUP Molecular Germline Variant Investigation Process 2024. Collection method: clinical testing. Allele origin: germline.

Blueprint Genetics
Classification: Likely benign. Last evaluated: 2024-11-26. Review status: criteria provided, single submitter. Criteria: ACMG Guidelines, 2015. Collection method: clinical testing. Allele origin: germline.

Genome Diagnostics Laboratory, The Hospital for Sick Children
Classification: Benign for Connective tissue disorder. Last evaluated: 2022-04-01. Review status: criteria provided, single submitter. Criteria: ACMG Guidelines, 2015. Collection method: clinical testing. Allele origin: germline.

Athena Diagnostics
Classification: Benign. Last evaluated: 2019-05-07. Review status: criteria provided, single submitter. Criteria: Athena Diagnostics Criteria. Collection method: clinical testing. Allele origin: germline.

GeneDx
Classification: Benign. Last evaluated: 2018-12-05. Review status: criteria provided, single submitter. Criteria: GeneDx Variant Classification Process June 2021. Collection method: clinical testing. Allele origin: germline. Affected: yes.

Illumina Laboratory Services, Illumina
Classification: Benign for Schwartz-Jampel syndrome type 1. Last evaluated: 2018-01-12. Review status: criteria provided, single submitter. Criteria: ICSL Variant Classification Criteria 13 December 2019. Collection method: clinical testing. Allele origin: germline.
Comment: This variant was observed in the ICSL laboratory as part of a predisposition screen in an ostensibly healthy population. It had not been previously curated by ICSL or reported in the Human Gene Mutation Database (HGMD: prior to June 1st, 2018), and was therefore a candidate for classification through an automated scoring system. Utilizing variant allele frequency, disease prevalence and penetrance estimates, and inheritance mode, an automated score was calculated to assess if this variant is too frequent to cause the disease. Based on the score and internal cut-off values, a variant classified as benign is not then subjected to further curation. The score for this variant resulted in a classification of benign for this disease.

Illumina Laboratory Services, Illumina
Classification: Benign for Lethal Kniest-like syndrome. Last evaluated: 2018-01-12. Review status: criteria provided, single submitter. Criteria: ICSL Variant Classification Criteria 13 December 2019. Collection method: clinical testing. Allele origin: germline.
Comment: the same text as in the submission from Illumina Laboratory Services, Illumina above.

Breakthrough Genomics
Classification: Benign. Review status: criteria provided, single submitter. Criteria: ACMG Guidelines, 2015. Collection method: not provided. Allele origin: germline. Inheritance: Autosomal recessive inheritance. Affected: yes.

Genome Diagnostics Laboratory, University Medical Center Utrecht
Classification: Benign. Review status: no assertion criteria provided. Collection method: clinical testing. Allele origin: germline. Affected: yes. Study: VKGL Data-share Consensus. Not counted in ClinVar's aggregate classification.

Laboratory of Diagnostic Genome Analysis, Leiden University Medical Center (LUMC)
Classification: Likely benign. Review status: no assertion criteria provided. Collection method: clinical testing. Allele origin: germline. Affected: yes. Study: VKGL Data-share Consensus. Not counted in ClinVar's aggregate classification.